The following is an entry in ClinVar:

NM_001042492.3(NF1):c.5711A>G (p.Asn1904Ser)

Gene: NF1 (neurofibromin 1; plus strand). Cytogenetic location: 17q11.2.
Variant type: single nucleotide variant.
Coding change: c.5711A>G on transcript NM_001042492.3 (MANE Select); coding-DNA position 5711, A replaced by G.
Protein change: p.Asn1904Ser; replaces asparagine 1904 with serine.
Molecular consequence: missense variant.
Genome position (GRCh38, 1-based): chr17:31,330,397, A>G. VCF-style: chr17-31330397-A-G. GRCh37 (hg19) VCF-style: chr17-29657415-A-G.
Other names: c.5648A>G, p.Asn1883Ser (NM_000267.4); short protein forms N1904S, N1883S.
Identifiers: ClinVar variation 220757 (VCV000220757.11), dbSNP rs864622647, ClinGen allele CA349894.
Genomic context (GRCh38, chr17:31,330,397, plus strand): 5'-TTAATTTAAAAATCGAGGGCCAGTTACTAGAGACATCAGGTTTATGTATCCCTGCCAACA[A>G]CACCCTCTTTATTGTCTCTATTAGTAAGACACTGGCAGCCAATGAGCCACACCTCACGTT-3'
Protein context (NP_001035957.1, residues 1894-1914): ETSGLCIPAN[Asn1904Ser]TLFIVSISKT

ClinVar aggregate classification (germline): Conflicting classifications of pathogenicity. Review status: criteria provided, conflicting classifications (1 of 4 stars). 6 submissions from 6 submitters: Likely pathogenic (1); Uncertain significance (4). 1 of the submissions does not count toward it. Last evaluated 2026-08-28.

Conditions:
NF1-related disorder. Also called: NF1-related condition. Identifiers: MedGen CN379171.
Cardiovascular phenotype. Identifiers: MedGen CN230736.
Hereditary cancer-predisposing syndrome. Also called: Neoplastic Syndromes, Hereditary; Tumor predisposition; Hereditary Cancer Syndrome; Hereditary neoplastic syndrome. Identifiers: Orphanet 140162, MedGen C0027672, MeSH D009386, MONDO:0015356.
Neurofibromatosis, type 1 (NF1). Also called: NEUROFIBROMATOSIS, TYPE I, SOMATIC; Peripheral type neurofibromatosis; Neurofibromatosis, type I; VON RECKLINGHAUSEN DISEASE. Identifiers: Orphanet 636, MedGen C0027831, MONDO:0018975, OMIM 162200. Disease mechanism: loss of function.

Allele frequency attached by ClinVar (database versions not stated): gnomAD exomes below 0.00001.
gnomAD v4.1: 1 of 1,613,864 alleles (0.000062%); highest among the groups gnomAD compares: Non-Finnish European, 0.000085%; no homozygotes.

Submissions (6):

PreventionGenetics, part of Exact Sciences
Classification: Uncertain significance for NF1-related condition. Last evaluated: 2026-08-28. Review status: criteria provided, single submitter. Criteria: ACMG Guidelines, 2015. Collection method: clinical testing. Allele origin: germline.
Comment: The NF1 c.5648A>G variant is predicted to result in the amino acid substitution p.Asn1883Ser. This variant has been reported in an individual referred for diagnostic whole-exome sequence analysis, however no additional clinical information was provided (Posey et al. 2017. PubMed ID: 27959697). This variant is reported in 0.00088% of alleles in individuals of European (Non-Finnish) descent in gnomAD and has conflicting interpretations in ClinVar ranging from likely pathogenic to uncertain (Variation ID: 220757). At this time, the clinical significance of this variant is uncertain due to the absence of conclusive functional and genetic evidence.

GeneDx
Classification: Likely pathogenic. Last evaluated: 2025-07-07. Review status: criteria provided, single submitter. Criteria: GeneDx Variant Classification Process June 2021. Collection method: clinical testing. Allele origin: germline. Affected: yes.
Comment: In silico analysis supports that this missense variant has a deleterious effect on protein structure/function; This variant is associated with the following publications: (PMID: 27959697)

Ambry Genetics
Classification: Uncertain significance for Cardiovascular phenotype; Hereditary cancer-predisposing syndrome. Last evaluated: 2025-06-19. Review status: criteria provided, single submitter. Criteria: Ambry Variant Classification Scheme 2023. Collection method: clinical testing. Allele origin: germline.
Comment: The p.N1883S variant (also known as c.5648A>G), located in coding exon 38 of the NF1 gene, results from an A to G substitution at nucleotide position 5648. The asparagine at codon 1883 is replaced by serine, an amino acid with highly similar properties. This amino acid position is highly conserved in available vertebrate species. In addition, the in silico prediction for this alteration is inconclusive. Based on the available evidence, the clinical significance of this variant remains unclear.

Blueprint Genetics
Classification: Uncertain significance. Last evaluated: 2021-08-13. Review status: criteria provided, single submitter. Criteria: ACMG Guidelines, 2015. Collection method: clinical testing. Allele origin: germline.

Labcorp Genetics (formerly Invitae), Labcorp
Classification: Uncertain significance for Neurofibromatosis, type 1. Last evaluated: 2020-10-07. Review status: criteria provided, single submitter. Criteria: Invitae Variant Classification Sherloc (09022015). Collection method: clinical testing. Allele origin: germline.
Comment: In summary, the available evidence is currently insufficient to determine the role of this variant in disease. Therefore, it has been classified as a Variant of Uncertain Significance. Algorithms developed to predict the effect of sequence changes on RNA splicing suggest that this variant may create or strengthen a splice site, but this prediction has not been confirmed by published transcriptional studies. Algorithms developed to predict the effect of missense changes on protein structure and function are either unavailable or do not agree on the potential impact of this missense change (SIFT: "Tolerated"; PolyPhen-2: "Probably Damaging"; Align-GVGD: "Class C0"). This variant has been reported as de novo in an infant who also carried a de novo SOX9 variant (PMID: 27959697), therefore it is uncertain if the c.5648A>G NF1 variant is causative of disease in this individual. ClinVar contains an entry for this variant (Variation ID: 220757). This variant is not present in population databases (ExAC no frequency). This sequence change replaces asparagine with serine at codon 1883 of the NF1 protein (p.Asn1883Ser). The asparagine residue is moderately conserved and there is a small physicochemical difference between asparagine and serine.

Baylor Genetics
Classification: Likely pathogenic for Neurofibromatosis, type 1. Last evaluated: 2016-05-01. Review status: no assertion criteria provided. Collection method: clinical testing. Allele origin: de novo. Inheritance: Autosomal dominant inheritance. Affected: yes. Not counted in ClinVar's aggregate classification.

Literature cited by the submitters: PubMed 27959697 (cited by Labcorp Genetics (formerly Invitae), Labcorp).